The following is an entry in ClinVar:

NM_001164760.2(PRKAR1B):c.984A>G (p.Ala328=)

Gene: PRKAR1B (protein kinase cAMP-dependent type I regulatory subunit beta; minus strand). Cytogenetic location: 7p22.3.
Variant type: single nucleotide variant.
Coding change: c.984A>G on transcript NM_001164760.2 (MANE Select); coding-DNA position 984, A replaced by G.
Protein change: p.Ala328=; no amino-acid change (alanine 328 retained).
Molecular consequence: synonymous variant.
Genome position (GRCh38, 1-based): chr7:550,592, T>C on the plus strand (A>G on the coding strand, the complement: PRKAR1B is on the minus strand). VCF-style: chr7-550592-T-C. GRCh37 (hg19) VCF-style: chr7-590229-T-C.
Other names: p.Ala328=; c.984A>G, p.Ala328= (NM_001164758.2, NM_001164759.1, NM_001164761.2 and 2 more transcripts); c.984A>G (NM_001164761.1).
Identifiers: ClinVar variation 1210095 (VCV001210095.7), dbSNP rs28626752, ClinGen allele CA4109843.

ClinVar aggregate classification (germline): Benign. Review status: criteria provided, single submitter (1 of 4 stars). 4 submissions from 4 submitters: Benign (1). 3 of the submissions do not count toward it. Last evaluated 2022-03-23.

Conditions:
PRKAR1B-related disorder. Also called: PRKAR1B-related condition.

Allele frequency attached by ClinVar (database versions not stated): TOPMed 0.02414; ESP Exome Variant Server 0.01706; gnomAD 0.02226 and 0.02094; ExAC 0.02793; 1000 Genomes Project 30x 0.04435; 1000 Genomes Project 0.04872.
gnomAD v4.1: 17,804 of 1,579,800 alleles (1.1%); highest among the groups gnomAD compares: East Asian, 18%; 885 homozygotes.

Submissions (4):

Mayo Clinic Laboratories, Mayo Clinic
Classification: Benign. Last evaluated: 2022-03-23. Review status: criteria provided, single submitter. Criteria: ACMG Guidelines, 2015. Collection method: clinical testing. Allele origin: germline. Observed: 15 variant alleles.

PreventionGenetics, part of Exact Sciences
Classification: Benign for PRKAR1B-related condition. Last evaluated: 2019-08-02. Review status: no assertion criteria provided. Collection method: clinical testing. Allele origin: germline. Not counted in ClinVar's aggregate classification.
Comment: This variant is classified as benign based on ACMG/AMP sequence variant interpretation guidelines (Richards et al. 2015 PMID: 25741868, with internal and published modifications).

Clinical Genetics DNA and cytogenetics Diagnostics Lab, Erasmus MC, Erasmus Medical Center
Classification: Benign. Review status: no assertion criteria provided. Collection method: clinical testing. Allele origin: germline. Affected: yes. Study: VKGL Data-share Consensus. Not counted in ClinVar's aggregate classification.

Genome Diagnostics Laboratory, Amsterdam University Medical Center
Classification: Benign. Review status: no assertion criteria provided. Collection method: clinical testing. Allele origin: germline. Affected: yes. Study: VKGL Data-share Consensus. Not counted in ClinVar's aggregate classification.